The following is an entry in ClinVar:

NM_004727.3(SLC24A1):c.2990G>T (p.Gly997Val)

Gene: SLC24A1 (solute carrier family 24 member 1; plus strand). Cytogenetic location: 15q22.31.
Variant type: single nucleotide variant.
Coding change: c.2990G>T on transcript NM_004727.3 (MANE Select); coding-DNA position 2990, G replaced by T.
Protein change: p.Gly997Val; replaces glycine 997 with valine.
Molecular consequence: missense variant.
Genome position (GRCh38, 1-based): chr15:65,652,748, G>T. VCF-style: chr15-65652748-G-T. GRCh37 (hg19) VCF-style: chr15-65945086-G-T.
Other names: c.971G>T, p.Gly324Val (NM_001254740.2); c.2900G>T, p.Gly967Val (NM_001301031.1); c.2936G>T, p.Gly979Val (NM_001301032.1, NM_001301033.2); short protein forms G324V, G979V, G997V, G967V.
Identifiers: ClinVar variation 953541 (VCV000953541.9), dbSNP rs2075548854, ClinGen allele CA392902257.
Genomic context (GRCh38, chr15:65,652,748, plus strand): 5'-TCCTTGCAGCAGGCACATCAATTCCTGACCTCATCACCAGTGTGATTGTCGCTCGAAAAG[G>T]CCTGGGAGACATGGCTGTGTCAAGCTCTGTGGGCAGTAACATATTTGATATCACTGTGGG-3'
Protein context (NP_004718.1, residues 987-1007): LITSVIVARK[Gly997Val]LGDMAVSSSV

ClinVar aggregate classification (germline): Uncertain significance (1 of 4 stars; one submission).

Allele frequency attached by ClinVar (database versions not stated): TOPMed below 0.00001.

Submission:

Labcorp Genetics (formerly Invitae), Labcorp
Classification: Uncertain significance. Last evaluated: 2022-09-13. Review status: criteria provided, single submitter. Criteria: Invitae Variant Classification Sherloc (09022015). Collection method: clinical testing. Allele origin: germline.
Comment: This sequence change replaces glycine, which is neutral and non-polar, with valine, which is neutral and non-polar, at codon 997 of the SLC24A1 protein (p.Gly997Val). This variant is not present in population databases (gnomAD no frequency). This variant has not been reported in the literature in individuals affected with SLC24A1-related conditions. In summary, the available evidence is currently insufficient to determine the role of this variant in disease. Therefore, it has been classified as a Variant of Uncertain Significance. Algorithms developed to predict the effect of missense changes on protein structure and function (SIFT, PolyPhen-2, Align-GVGD) all suggest that this variant is likely to be disruptive. ClinVar contains an entry for this variant (Variation ID: 953541).